The following is an entry in ClinVar:

NM_005219.5(DIAPH1):c.411C>G (p.Ser137Arg)

Gene: DIAPH1 (diaphanous related formin 1; minus strand). Cytogenetic location: 5q31.3.
Variant type: single nucleotide variant.
Coding change: c.411C>G on transcript NM_005219.5 (MANE Select); coding-DNA position 411, C replaced by G.
Protein change: p.Ser137Arg; replaces serine 137 with arginine.
Molecular consequence: missense variant.
Genome position (GRCh38, 1-based): chr5:141,583,607, G>C on the plus strand (C>G on the coding strand, the complement: DIAPH1 is on the minus strand). VCF-style: chr5-141583607-G-C. GRCh37 (hg19) VCF-style: chr5-140963174-G-C.
Other names: c.384C>G, p.Ser128Arg (NM_001079812.3); c.411C>G, p.Ser137Arg (NM_001314007.2); short protein forms S128R, S137R.
Identifiers: ClinVar variation 2949961 (VCV002949961.3), dbSNP rs2513772407, ClinGen allele CA361542375.

ClinVar aggregate classification (germline): Uncertain significance (1 of 4 stars; one submission).

Conditions:
Autosomal dominant nonsyndromic hearing loss 1. Also called: KONIGSMARK SYNDROME; DEAFNESS, AUTOSOMAL DOMINANT 1, WITH OR WITHOUT THROMBOCYTOPENIA. Identifiers: Orphanet 90635, MedGen C1852282, MONDO:0007424, OMIM 124900.
Progressive microcephaly-seizures-cortical blindness-developmental delay syndrome. Also called: Seizures, cortical blindness, and microcephaly syndrome. Identifiers: Orphanet 477814, MedGen C5567650, MONDO:0014714, OMIM 616632.

Submission:

Labcorp Genetics (formerly Invitae), Labcorp
Classification: Uncertain significance for Progressive microcephaly-seizures-cortical blindness-developmental delay syndrome; Autosomal dominant nonsyndromic hearing loss 1. Last evaluated: 2023-07-17. Review status: criteria provided, single submitter. Criteria: Invitae Variant Classification Sherloc (09022015). Collection method: clinical testing. Allele origin: germline.
Comment: In summary, the available evidence is currently insufficient to determine the role of this variant in disease. Therefore, it has been classified as a Variant of Uncertain Significance. Experimental studies and prediction algorithms are not available or were not evaluated, and the functional significance of this variant is currently unknown. This variant has not been reported in the literature in individuals affected with DIAPH1-related conditions. This variant is not present in population databases (gnomAD no frequency). This sequence change replaces serine, which is neutral and polar, with arginine, which is basic and polar, at codon 137 of the DIAPH1 protein (p.Ser137Arg).